The following is an entry in ClinVar:

ClinVar aggregate classification (germline): Uncertain significance (1 of 4 stars; one submission).

Submission:

GeneDx
Classification: Uncertain significance. Last evaluated: 2024-11-06. Review status: criteria provided, single submitter. Criteria: GeneDx Variant Classification Process June 2021. Collection method: clinical testing. Allele origin: germline. Affected: yes.
Comment: Not observed at significant frequency in large population cohorts (gnomAD); In silico analysis supports that this missense variant has a deleterious effect on protein structure/function; Has not been previously published as pathogenic or benign to our knowledge

NM_001384140.1(PCDH15):c.762T>A (p.Asp254Glu)

Gene: PCDH15 (protocadherin related 15; minus strand). Cytogenetic location: 10q21.1.
Variant type: single nucleotide variant.
Coding change: c.762T>A on transcript NM_001384140.1 (MANE Select); coding-DNA position 762, T replaced by A.
Protein change: p.Asp254Glu; replaces aspartic acid 254 with glutamic acid.
Molecular consequence: missense variant.
Genome position (GRCh38, 1-based): chr10:54,317,385, A>T on the plus strand (T>A on the coding strand, the complement: PCDH15 is on the minus strand). VCF-style: chr10-54317385-A-T. GRCh37 (hg19) VCF-style: chr10-56077145-A-T.
Other names: c.777T>A, p.Asp259Glu (NM_001142763.2, NM_001142769.4, NM_001142771.2); c.762T>A, p.Asp254Glu (NM_001142764.2, NM_001142765.2, NM_001142766.2 and 7 more transcripts); c.651T>A, p.Asp217Glu (NM_001142767.2); c.696T>A, p.Asp232Glu (NM_001142768.2, NM_001142773.2, NM_001354404.2); short protein forms D217E, D232E, D254E, D259E.
Identifiers: ClinVar variation 3899031 (VCV003899031.1).